The following is an entry in ClinVar:

NM_016729.3(FOLR1):c.331C>T (p.Pro111Ser)

Genes: FOLR1 (folate receptor alpha; plus strand), FOLR1-AS1 (FOLR1 antisense RNA 1; minus strand). Cytogenetic location: 11q13.4.
Variant type: single nucleotide variant.
Coding change: c.331C>T on transcript NM_016729.3 (MANE Select); coding-DNA position 331, C replaced by T.
Protein change: p.Pro111Ser; replaces proline 111 with serine.
Molecular consequence: missense variant.
Genome position (GRCh38, 1-based): chr11:72,195,433, C>T. VCF-style: chr11-72195433-C-T. GRCh37 (hg19) VCF-style: chr11-71906477-C-T.
Other names: c.331C>T, p.Pro111Ser (NM_000802.3, NM_016724.3, NM_016725.3 and 1 more transcripts); short protein forms P111S.
Identifiers: ClinVar variation 2038195 (VCV002038195.4), dbSNP rs2539131681, ClinGen allele CA381732618.

ClinVar aggregate classification (germline): Uncertain significance (1 of 4 stars; one submission).

Conditions:
Cerebral folate transport deficiency. Also called: Cerebral folate deficiency syndrome; Neurodegenerative syndrome due to cerebral folate transport deficiency; NEURODEGENERATION DUE TO CEREBRAL FOLATE TRANSPORT DEFICIENCY; FOLR1-Related Cerebral Folate Transport Deficiency; FOLATE RECEPTOR DEFICIENCY. Identifiers: Orphanet 217382, MedGen C2751584, MONDO:0013110, OMIM 613068. Disease mechanism: loss of function.

Submission:

Labcorp Genetics (formerly Invitae), Labcorp
Classification: Uncertain significance for Cerebral folate transport deficiency. Last evaluated: 2021-12-08. Review status: criteria provided, single submitter. Criteria: Invitae Variant Classification Sherloc (09022015). Collection method: clinical testing. Allele origin: germline.
Comment: In summary, the available evidence is currently insufficient to determine the role of this variant in disease. Therefore, it has been classified as a Variant of Uncertain Significance. Algorithms developed to predict the effect of missense changes on protein structure and function (SIFT, PolyPhen-2, Align-GVGD) all suggest that this variant is likely to be disruptive. This variant has not been reported in the literature in individuals affected with FOLR1-related conditions. This variant is not present in population databases (gnomAD no frequency). This sequence change replaces proline, which is neutral and non-polar, with serine, which is neutral and polar, at codon 111 of the FOLR1 protein (p.Pro111Ser).